The following is an entry in ClinVar:

NM_000535.7(PMS2):c.804-36C>G

Gene: PMS2 (PMS1 homolog 2, mismatch repair system component; minus strand). Cytogenetic location: 7p22.1.
Variant type: single nucleotide variant.
Coding change: c.804-36C>G on transcript NM_000535.7 (MANE Select); 36 bases into the intron before coding-DNA position 804, C replaced by G.
Molecular consequence: intron variant.
Genome position (GRCh38, 1-based): chr7:5,995,669, G>C on the plus strand (C>G on the coding strand, the complement: PMS2 is on the minus strand). VCF-style: chr7-5995669-G-C. GRCh37 (hg19) VCF-style: chr7-6035300-G-C.
Other names: c.486-36C>G (NM_001322008.2, NM_001406902.1, NM_001406883.1 and 4 more transcripts); c.495-36C>G (NM_001406881.1, NM_001406879.1, NM_001322015.2 and 6 more transcripts); c.399-36C>G (NM_001406895.1, NM_001322010.2, NM_001322004.2 and 19 more transcripts); c.133-3612C>G (NM_001406911.1); c.291-36C>G (NM_001406904.1, NM_001406905.1); c.231-36C>G (NM_001322013.2, NM_001406909.1); c.-130-36C>G (NM_001322012.2, NM_001322011.2); c.468-36C>G (NM_001406885.1); and 8 more.
Identifiers: ClinVar variation 3903631 (VCV003903631.1).

ClinVar aggregate classification (germline): Benign (1 of 4 stars; one submission).

Conditions:
Lynch syndrome 4 (LYNCH4). Also called: Colorectal cancer, hereditary nonpolyposis, type 4; Hereditary non-polyposis colorectal cancer, type 4. Identifiers: Orphanet 144, MedGen C1838333, MONDO:0013699, OMIM 614337. Disease mechanism: loss of function.

gnomAD v4.1: 18 of 1,353,022 alleles (0.0013%); highest among the groups gnomAD compares: East Asian, 0.018%; no homozygotes.

Submission:

Myriad Genetics, Inc.
Classification: Benign for Lynch syndrome 4. Last evaluated: 2025-01-28. Review status: criteria provided, single submitter. Criteria: Myriad Autosomal Dominant, Autosomal Recessive and X-Linked Classification Criteria (2023). Collection method: clinical testing. Allele origin: unknown.
Comment: This variant is considered benign. This variant is intronic and is not expected to impact mRNA splicing.